The following is an entry in ClinVar:

NM_002087.4(GRN):c.-8+236G>A

Genes: GRN (granulin precursor; plus strand), LOC130060979 (ATAC-STARR-seq lymphoblastoid active region 12260; plus strand). Cytogenetic location: 17q21.31.
Variant type: single nucleotide variant.
Coding change: c.-8+236G>A on transcript NM_002087.4 (MANE Select); 236 bases into the intron after 8 bases upstream of the start codon, G replaced by A.
Molecular consequence: intron variant.
Genome position (GRCh38, 1-based): chr17:44,345,570, G>A. VCF-style: chr17-44345570-G-A. GRCh37 (hg19) VCF-style: chr17-42422938-G-A.
Identifiers: ClinVar variation 1706838 (VCV001706838.2), dbSNP rs75193026, ClinGen allele CA14486865.
Genomic context (GRCh38, chr17:44,345,570, plus strand): 5'-ATTGCAGTGACGCCCCGTTAGAAGGGGCTTTCTACCTCCCCAGCATTCCCCCAAAGCAGG[G>A]ACCACACCATTCTTGACCCAGCTCCACCCCTGTCGGTAGGTGCTGGCTTCTTCCCCTCTC-3'

ClinVar aggregate classification (germline): Likely benign (1 of 4 stars; one submission).

Allele frequency attached by ClinVar (database versions not stated): 1000 Genomes Project 0.01677; gnomAD 0.01765; 1000 Genomes Project 30x 0.01874; TOPMed 0.02240.

Submission:

GeneDx
Classification: Likely benign. Last evaluated: 2021-10-11. Review status: criteria provided, single submitter. Criteria: GeneDx Variant Classification Process June 2021. Collection method: clinical testing. Allele origin: germline. Affected: yes.
Comment: See Variant Classification Assertion Criteria.